The following is an entry in ClinVar:

ClinVar aggregate classification (germline): Uncertain significance. Review status: criteria provided, multiple submitters, no conflicts (2 of 4 stars). 4 submissions from 4 submitters: Uncertain significance (3). 1 of the submissions does not count toward it. Last evaluated 2026-09-02.

Conditions:
TTN-related disorder. Also called: TTN-related condition; TTN-related disease; TTN-related disorders.
Autosomal recessive limb-girdle muscular dystrophy type 2J (LGMDR10). Also called: Limb-girdle muscular dystrophy, type 2J; MUSCULAR DYSTROPHY, LIMB-GIRDLE, AUTOSOMAL RECESSIVE 10. Identifiers: Orphanet 140922, MedGen C1837342, MONDO:0012127, OMIM 608807.
Dilated cardiomyopathy 1G (CMD1G). Identifiers: Orphanet 154, MedGen C1858763, MONDO:0011400, OMIM 604145.
Tibial muscular dystrophy (TMD). Also called: Tibial muscular dystrophy, tardive; UDD MYOPATHY; Udd Distal Myopathy – Tibial Muscular Dystrophy. Identifiers: Orphanet 609, MedGen C1838244, MONDO:0010870, OMIM 600334.

gnomAD v4.1: 5 of 1,613,844 alleles (0.00031%); highest among the groups gnomAD compares: Admixed American, 0.005%; no homozygotes.

Submissions (4):

PreventionGenetics, part of Exact Sciences
Classification: Uncertain significance for TTN-related condition. Last evaluated: 2026-09-02. Review status: criteria provided, single submitter. Criteria: ACMG Guidelines, 2015. Collection method: clinical testing. Allele origin: germline.
Comment: The TTN c.107840T>C variant is predicted to result in the amino acid substitution p.Ile35947Thr. To our knowledge, this variant has not been reported in the literature in individuals with TTN-related cardiac phenotypes. This variant is reported in 0.00088% of alleles in individuals of European (Non-Finnish) descent in gnomAD. At this time, the clinical significance of this variant is uncertain due to the absence of conclusive functional and genetic evidence.

Labcorp Genetics (formerly Invitae), Labcorp
Classification: Uncertain significance for Dilated cardiomyopathy 1G; Autosomal recessive limb-girdle muscular dystrophy type 2J. Last evaluated: 2025-08-11. Review status: criteria provided, single submitter. Criteria: Invitae Variant Classification Sherloc (09022015). Collection method: clinical testing. Allele origin: germline.
Comment: This sequence change replaces isoleucine, which is neutral and non-polar, with threonine, which is neutral and polar, at codon 35947 of the TTN protein (p.Ile35947Thr). This variant is present in population databases (rs281864928, gnomAD 0.0009%). This variant has not been reported in the literature in individuals affected with TTN-related conditions. ClinVar contains an entry for this variant (Variation ID: 56386). An algorithm developed to predict the effect of missense changes on protein structure and function outputs the following: PolyPhen-2: "Not Available". The threonine amino acid residue is found in multiple mammalian species, which suggests that this missense change does not adversely affect protein function. This variant is located in the M band of TTN (PMID: 25589632). Non-truncating variants in this region may be relevant for neuromuscular disorders, but have not been definitively shown to cause cardiomyopathy (PMID: 23975875). This variant disrupts the p.Ile35947 amino acid residue in TTN. Other variant(s) that disrupt this residue have been determined to be pathogenic (PMID: 12891679, 25739468, 25877298, 27796757; internal data). This suggests that this residue is clinically significant, and that variants that disrupt this residue are likely to be disease-causing. In summary, the available evidence is currently insufficient to determine the role of this variant in disease. Therefore, it has been classified as a Variant of Uncertain Significance.

Revvity Omics, Revvity
Classification: Uncertain significance. Last evaluated: 2021-09-07. Review status: criteria provided, single submitter. Criteria: ACMG Guidelines, 2015. Collection method: clinical testing. Allele origin: germline.

Juha Muilu Group; Institute for Molecular Medicine Finland (FIMM)
Classification: Likely pathogenic for Distal myopathy Markesbery-Griggs type. Review status: no assertion criteria provided. Collection method: not provided. Allele origin: unknown. Not counted in ClinVar's aggregate classification.
Comment: FinDis database variant: This variant was not found or characterized by our laboratory, data were collected from public sources: see reference
ClinVar note: Converted during submission from probable-pathogenic to Likely pathogenic.

Literature cited by the submitters: PubMed 25589632 (cited by Labcorp Genetics (formerly Invitae), Labcorp); PubMed 23975875 (cited by Labcorp Genetics (formerly Invitae), Labcorp); PubMed 12891679 (cited by Labcorp Genetics (formerly Invitae), Labcorp); PubMed 25739468 (cited by Labcorp Genetics (formerly Invitae), Labcorp); PubMed 25877298 (cited by Labcorp Genetics (formerly Invitae), Labcorp); PubMed 27796757 (cited by Labcorp Genetics (formerly Invitae), Labcorp).

NM_001267550.2(TTN):c.107840T>C (p.Ile35947Thr)

Genes: TTN (titin; minus strand), TTN-AS1 (TTN antisense RNA 1; plus strand). Cytogenetic location: 2q31.2.
Variant type: single nucleotide variant.
Coding change: c.107840T>C on transcript NM_001267550.2 (MANE Select); coding-DNA position 107840, T replaced by C.
Protein change: p.Ile35947Thr; replaces isoleucine 35947 with threonine.
Molecular consequence: missense variant.
Genome position (GRCh38, 1-based): chr2:178,527,148, A>G on the plus strand (T>C on the coding strand, the complement: TTN is on the minus strand). VCF-style: chr2-178527148-A-G. GRCh37 (hg19) VCF-style: chr2-179391875-A-G.
Other names: c.107840T>C (LRG_391t1); c.102917T>C, p.Ile34306Thr (NM_001256850.1); c.80645T>C, p.Ile26882Thr (NM_003319.4); c.100136T>C, p.Ile33379Thr (NM_133378.4); c.81020T>C, p.Ile27007Thr (NM_133432.3); c.81221T>C, p.Ile27074Thr (NM_133437.4); short protein forms I35947T, I33379T, I26882T, I34306T, I27007T, I27074T.
Identifiers: ClinVar variation 56386 (VCV000056386.13), dbSNP rs281864928, ClinGen allele CA263860.